The following is an entry in ClinVar:

NM_001165963.4(SCN1A):c.4002+2349A>T

Genes: SCN1A (sodium voltage-gated channel alpha subunit 1; minus strand), LOC102724058 (uncharacterized LOC102724058; plus strand). Cytogenetic location: 2q24.3.
Variant type: single nucleotide variant.
Coding change: c.4002+2349A>T on transcript NM_001165963.4 (MANE Select); 2349 bases into the intron after coding-DNA position 4002, A replaced by T.
Molecular consequence: intron variant.
Genome position (GRCh38, 1-based): chr2:166,007,370, T>A on the plus strand (A>T on the coding strand, the complement: SCN1A is on the minus strand). VCF-style: chr2-166007370-T-A. GRCh37 (hg19) VCF-style: chr2-166863880-T-A.
Other names: c.3969+2349A>T (NM_001353949.2, NM_001353950.2, NM_001353951.2 and 2 more transcripts); c.3918+2349A>T (NM_001353958.2, NM_001353957.2, NM_001165964.3); c.4002+2349A>T (NM_001202435.3, NM_001353948.2); c.3966+2349A>T (NM_001353955.2, NM_001353954.2); c.3915+2349A>T (NM_001353960.2); c.1560+2349A>T (NM_001353961.2).
Identifiers: ClinVar variation 1674109 (VCV001674109.9), dbSNP rs2105547965, ClinGen allele CA2573133064.

ClinVar aggregate classification (germline): Uncertain significance (1 of 4 stars; one submission).

Conditions:
Early-infantile DEE. Also called: Early infantile epileptic encephalopathy; Ohtahara syndrome; Early infantile epileptic encephalopathy with suppression bursts. Identifiers: Orphanet 1934, MedGen C0393706, MONDO:0800491.

Submission:

Labcorp Genetics (formerly Invitae), Labcorp
Classification: Uncertain significance for Early-infantile DEE. Last evaluated: 2024-05-15. Review status: criteria provided, single submitter. Criteria: Invitae Variant Classification Sherloc (09022015). Collection method: clinical testing. Allele origin: germline.
Comment: This sequence change falls in intron 20 of the SCN1A gene. It does not directly change the encoded amino acid sequence of the SCN1A protein. However, this sequence change falls within a region encompassing a cryptic exon in the SCN1A gene, in which variants have been shown to alter splicing (PMID: 30526861, 34107977). This variant is not present in population databases (gnomAD no frequency). This variant has not been reported in the literature in individuals affected with SCN1A-related conditions. ClinVar contains an entry for this variant (Variation ID: 1674109). Algorithms developed to predict the effect of sequence changes on RNA splicing suggest that this variant is not likely to affect RNA splicing. In summary, the available evidence is currently insufficient to determine the role of this variant in disease. Therefore, it has been classified as a Variant of Uncertain Significance.

Literature cited by the submitters: PubMed 30526861; PubMed 34107977.